The following is an entry in ClinVar:

ClinVar aggregate classification (germline): Uncertain significance (1 of 4 stars; one submission).

Conditions:
RASopathy. Also called: Noonan spectrum disorder; rasopathies. Identifiers: Orphanet 536391, MedGen C5555857, MONDO:0021060.

gnomAD v4.1: 1 of 1,607,014 alleles (0.000062%); highest among the groups gnomAD compares: South Asian, 0.0011%; no homozygotes.

Submission:

Labcorp Genetics (formerly Invitae), Labcorp
Classification: Uncertain significance for RASopathy. Last evaluated: 2025-06-25. Review status: criteria provided, single submitter. Criteria: Invitae Variant Classification Sherloc (09022015). Collection method: clinical testing. Allele origin: germline.
Comment: This sequence change replaces valine, which is neutral and non-polar, with isoleucine, which is neutral and non-polar, at codon 133 of the SOS1 protein (p.Val133Ile). This variant is not present in population databases (gnomAD no frequency). This variant has not been reported in the literature in individuals affected with SOS1-related conditions. Invitae Evidence Modeling of protein sequence and biophysical properties (such as structural, functional, and spatial information, amino acid conservation, physicochemical variation, residue mobility, and thermodynamic stability) has been performed for this missense variant. However, the output from this modeling did not meet the statistical confidence thresholds required to predict the impact of this variant on SOS1 protein function. In summary, the available evidence is currently insufficient to determine the role of this variant in disease. Therefore, it has been classified as a Variant of Uncertain Significance.

NM_005633.4(SOS1):c.397G>A (p.Val133Ile)

Gene: SOS1 (SOS Ras/Rac guanine nucleotide exchange factor 1; minus strand). Cytogenetic location: 2p22.1.
Variant type: single nucleotide variant.
Coding change: c.397G>A on transcript NM_005633.4 (MANE Select); coding-DNA position 397, G replaced by A.
Protein change: p.Val133Ile; replaces valine 133 with isoleucine.
Molecular consequence: missense variant.
Genome position (GRCh38, 1-based): chr2:39,056,815, C>T on the plus strand (G>A on the coding strand, the complement: SOS1 is on the minus strand). VCF-style: chr2-39056815-C-T. GRCh37 (hg19) VCF-style: chr2-39283956-C-T.
Other names: c.376G>A, p.Val126Ile (NM_001382394.1); c.397G>A, p.Val133Ile (NM_001382395.1); short protein forms V126I, V133I.
Identifiers: ClinVar variation 4741738 (VCV004741738.1).
Genomic context (GRCh38, chr2:39,056,815, plus strand): 5'-GTATATTTCTTACATAATTCCCAACCAGCTTTAAAATGTCTGCAGAAATGTATTCTAAGA[C>T]TGCTACTATGTAAACAGAAACCTGGTGGTCAATTTTATAACCTAGGACCTCCTGCAAAAT-3'
Protein context (NP_005624.2, residues 123-143): DHQVSVYIVA[Val133Ile]LEYISADILK